The following is an entry in ClinVar:

ClinVar aggregate classification (germline): Uncertain significance (1 of 4 stars; one submission).

Conditions:
Hereditary cancer-predisposing syndrome. Also called: Hereditary neoplastic syndrome; Tumor predisposition; Hereditary Cancer Syndrome; Neoplastic Syndromes, Hereditary. Identifiers: Orphanet 140162, MedGen C0027672, MeSH D009386, MONDO:0015356.

Allele frequency attached by ClinVar (database versions not stated): ExAC 0.00001; gnomAD 0.00001; TOPMed 0.00002.
gnomAD v4.1: 1 of 1,609,262 alleles (0.000062%); highest among the groups gnomAD compares: African/African-American, 0.0013%; no homozygotes.

Submission:

Ambry Genetics
Classification: Uncertain significance for Hereditary cancer-predisposing syndrome. Last evaluated: 2023-08-28. Review status: criteria provided, single submitter. Criteria: Ambry Variant Classification Scheme 2023. Collection method: clinical testing. Allele origin: germline.
Comment: The p.P1025L variant (also known as c.3074C>T), located in coding exon 19 of the ALK gene, results from a C to T substitution at nucleotide position 3074. The proline at codon 1025 is replaced by leucine, an amino acid with similar properties. This amino acid position is conserved. In addition, this alteration is predicted to be tolerated by in silico analysis. Since supporting evidence is limited at this time, the clinical significance of this alteration remains unclear.

NM_004304.5(ALK):c.3074C>T (p.Pro1025Leu)

Gene: ALK (ALK receptor tyrosine kinase; minus strand). Cytogenetic location: 2p23.2.
Variant type: single nucleotide variant.
Coding change: c.3074C>T on transcript NM_004304.5 (MANE Select); coding-DNA position 3074, C replaced by T.
Protein change: p.Pro1025Leu; replaces proline 1025 with leucine.
Molecular consequence: missense variant.
Genome position (GRCh38, 1-based): chr2:29,225,559, G>A on the plus strand (C>T on the coding strand, the complement: ALK is on the minus strand). VCF-style: chr2-29225559-G-A. GRCh37 (hg19) VCF-style: chr2-29448425-G-A.
Other names: short protein forms P1025L.
Identifiers: ClinVar variation 2586701 (VCV002586701.2), dbSNP rs748284394, ClinGen allele CA1594088.
Genomic context (GRCh38, chr2:29,225,559, plus strand): 5'-ACGAGGGCAGAGGTCACCACAGAGAGGATCAGCGAGAGTGGCAGGTGTGGCTCCGGGGTG[G>A]GTGACACTGGAAGACAGGTCCCACTGGGGTATTGACAACCACACCAGGTCTCCTTTGAGT-3'
Protein context (NP_004295.2, residues 1015-1035): AEDGVSCIVS[Pro1025Leu]TPEPHLPLSL